The following is an entry in ClinVar:

NM_020376.4(PNPLA2):c.30C>T (p.Ile10=)

Genes: PNPLA2 (patatin like domain 2, triacylglycerol lipase; plus strand), LOC130005097 (ATAC-STARR-seq lymphoblastoid silent region 3036; plus strand). Cytogenetic location: 11p15.5.
Variant type: single nucleotide variant.
Coding change: c.30C>T on transcript NM_020376.4 (MANE Select); coding-DNA position 30, C replaced by T.
Protein change: p.Ile10=; no amino-acid change (isoleucine 10 retained).
Molecular consequence: synonymous variant.
Genome position (GRCh38, 1-based): chr11:819,748, C>T. VCF-style: chr11-819748-C-T. GRCh37 (hg19) VCF-style: chr11-819748-C-T.
Other names: p.Ile10=.
Identifiers: ClinVar variation 465790 (VCV000465790.60), dbSNP rs192598547, ClinGen allele CA5790890.

ClinVar aggregate classification (germline): Likely benign. Review status: criteria provided, multiple submitters, no conflicts (2 of 4 stars). 5 submissions from 5 submitters: Likely benign (5). Last evaluated 2026-07-01.

Conditions:
Neutral lipid storage myopathy (NLSDM). Also called: NEUTRAL LIPID STORAGE DISEASE WITHOUT ICHTHYOSIS. Identifiers: Orphanet 98908, MedGen C1853136, MONDO:0012545, OMIM 610717.

Allele frequency attached by ClinVar (database versions not stated): 1000 Genomes Project 0.00060; 1000 Genomes Project 30x 0.00062; TOPMed 0.00087; gnomAD 0.00089 and 0.00094; gnomAD exomes 0.00090 and 0.00196; ESP Exome Variant Server 0.00141; ExAC 0.00193.

Submissions (5):

CeGaT Center for Human Genetics Tuebingen
Classification: Likely benign. Last evaluated: 2026-07-01. Review status: criteria provided, single submitter. Criteria: CeGaT Center For Human Genetics Tuebingen Variant Classification Criteria Version 2. Collection method: clinical testing. Allele origin: germline. Affected: yes. Observed: 4 variant alleles.
Comment: PNPLA2: BP4, BP7

Labcorp Genetics (formerly Invitae), Labcorp
Classification: Likely benign for Neutral lipid storage myopathy. Last evaluated: 2026-01-24. Review status: criteria provided, single submitter. Criteria: Invitae Variant Classification Sherloc (09022015). Collection method: clinical testing. Allele origin: germline.

Mayo Clinic Laboratories, Mayo Clinic
Classification: Likely benign. Last evaluated: 2025-10-03. Review status: criteria provided, single submitter. Criteria: ACMG Guidelines, 2015. Collection method: clinical testing. Allele origin: germline. Observed: 2 variant alleles.
Comment: BS1, BP4, BP7

Blueprint Genetics
Classification: Likely benign. Last evaluated: 2024-11-19. Review status: criteria provided, single submitter. Criteria: ACMG Guidelines, 2015. Collection method: clinical testing. Allele origin: germline.

Illumina Laboratory Services, Illumina
Classification: Likely benign for Neutral lipid storage myopathy. Last evaluated: 2017-04-28. Review status: criteria provided, single submitter. Criteria: ICSL Variant Classification Criteria 13 December 2019. Collection method: clinical testing. Allele origin: germline.
Comment: This variant was observed as part of a predisposition screen in an ostensibly healthy population. A literature search was performed for the gene, cDNA change, and amino acid change (where applicable). No publications were found based on this search. Allele frequency data from public databases allowed determination this variant is unlikely to cause disease. Therefore, this variant is classified as likely benign.